The following is an entry in ClinVar:

ClinVar aggregate classification (germline): Uncertain significance (1 of 4 stars; one submission).

Conditions:
Emery-Dreifuss muscular dystrophy 4, autosomal dominant (EDMD4). Also called: EMERY-DREIFUSS MUSCULAR DYSTROPHY 4 WITH VARIABLE FEATURES. Identifiers: Orphanet 261, MedGen C2751807, MONDO:0013071, OMIM 612998.
Autosomal recessive ataxia, Beauce type. Also called: Spinocerebellar ataxia, autosomal recessive 8; ATAXIA, RECESSIVE, OF BEAUCE; SYNE1-Related Autosomal Recessive Cerebellar Ataxia; SYNE1 Deficiency. Identifiers: Orphanet 88644, MedGen C1853116, MONDO:0012549, OMIM 610743.

Allele frequency attached by ClinVar (database versions not stated): gnomAD 0.00001; ExAC 0.00002.
gnomAD v4.1: 9 of 1,609,956 alleles (0.00056%); highest among the groups gnomAD compares: Admixed American, 0.015%; no homozygotes.

Submission:

Labcorp Genetics (formerly Invitae), Labcorp
Classification: Uncertain significance for Emery-Dreifuss muscular dystrophy 4, autosomal dominant; Autosomal recessive ataxia, Beauce type. Last evaluated: 2022-06-07. Review status: criteria provided, single submitter. Criteria: Invitae Variant Classification Sherloc (09022015). Collection method: clinical testing. Allele origin: germline.
Comment: In summary, the available evidence is currently insufficient to determine the role of this variant in disease. Therefore, it has been classified as a Variant of Uncertain Significance. This sequence change falls in intron 95 of the SYNE1 gene. It does not directly change the encoded amino acid sequence of the SYNE1 protein. This variant is present in population databases (rs754506309, gnomAD 0.02%). This variant has not been reported in the literature in individuals affected with SYNE1-related conditions. Algorithms developed to predict the effect of sequence changes on RNA splicing suggest that this variant may create or strengthen a splice site.

NM_182961.4(SYNE1):c.18207+13T>G

Gene: SYNE1 (spectrin repeat containing nuclear envelope protein 1; minus strand). Cytogenetic location: 6q25.2.
Variant type: single nucleotide variant.
Coding change: c.18207+13T>G on transcript NM_182961.4 (MANE Select); 13 bases into the intron after coding-DNA position 18207, T replaced by G.
Molecular consequence: intron variant.
Genome position (GRCh38, 1-based): chr6:152,283,965, A>C on the plus strand (T>G on the coding strand, the complement: SYNE1 is on the minus strand). VCF-style: chr6-152283965-A-C. GRCh37 (hg19) VCF-style: chr6-152605100-A-C.
Other names: c.17994+13T>G (NM_033071.5).
Identifiers: ClinVar variation 2190498 (VCV002190498.2), dbSNP rs754506309, ClinGen allele CA4055033.
Genomic context (GRCh38, chr6:152,283,965, plus strand): 5'-ACCCACATACTTGGTAACACAACGTTAAAAGTTAACTCAGAAGTGAGGAGGCCACTTTAC[A>C]GTTATTGGTTACCTCCAAAAGCTGCCGTTTCCCCGAGGCTTTCATCCTGATGGTGGACAT-3'